The following is an entry in ClinVar:

NM_001034853.2(RPGR):c.488T>A (p.Met163Lys)

Gene: RPGR (retinitis pigmentosa GTPase regulator; minus strand). Cytogenetic location: Xp11.4.
Variant type: single nucleotide variant.
Coding change: c.488T>A on transcript NM_001034853.2 (MANE Select); coding-DNA position 488, T replaced by A.
Protein change: p.Met163Lys; replaces methionine 163 with lysine.
Molecular consequence: missense variant. On other transcripts: non-coding transcript variant (6).
Genome position (GRCh38, 1-based): chrX:38,317,447, A>T on the plus strand (T>A on the coding strand, the complement: RPGR is on the minus strand). VCF-style: chrX-38317447-A-T. GRCh37 (hg19) VCF-style: chrX-38176700-A-T.
Other names: c.488T>A, p.Met163Lys (NM_000328.3, NM_001367245.1, NM_001367246.1 and 3 more transcripts); c.518T>A, p.Met173Lys (NM_001367248.1); c.485T>A, p.Met162Lys (NM_001367249.1); short protein forms M173K, M162K, M163K.
Identifiers: ClinVar variation 2737889 (VCV002737889.3), dbSNP rs2519889411, ClinGen allele CA412744934.
Genomic context (GRCh38, chrX:38,317,447, plus strand): 5'-GGGACACAGACATTACTTACATTTTTTAAACCAATTTGCCCTTCGGAATTGTCACCCCAC[A>T]TAAAAAGTCTTCCATCCTCTATAAAGAAAAATAAAAGGGGGAGAAAAGGTTTTAAAAGGT-3'
Protein context (NP_001030025.1, residues 153-173): AALTEDGRLF[Met163Lys]WGDNSEGQIG

ClinVar aggregate classification (germline): Uncertain significance (1 of 4 stars; one submission).

Conditions:
Primary ciliary dyskinesia. Also called: Ciliary dyskinesia. Identifiers: Orphanet 244, MedGen C0008780, MONDO:0016575, HP:0012265.

Submission:

Labcorp Genetics (formerly Invitae), Labcorp
Classification: Uncertain significance for Primary ciliary dyskinesia. Last evaluated: 2023-07-07. Review status: criteria provided, single submitter. Criteria: Invitae Variant Classification Sherloc (09022015). Collection method: clinical testing. Allele origin: germline.
Comment: Advanced modeling of protein sequence and biophysical properties (such as structural, functional, and spatial information, amino acid conservation, physicochemical variation, residue mobility, and thermodynamic stability) has been performed at Invitae for this missense variant, however the output from this modeling did not meet the statistical confidence thresholds required to predict the impact of this variant on RPGR protein function. In summary, the available evidence is currently insufficient to determine the role of this variant in disease. Therefore, it has been classified as a Variant of Uncertain Significance. This sequence change replaces methionine, which is neutral and non-polar, with lysine, which is basic and polar, at codon 163 of the RPGR protein (p.Met163Lys). This variant is not present in population databases (gnomAD no frequency). This variant has not been reported in the literature in individuals affected with RPGR-related conditions.